The following is an entry in ClinVar:

NM_001365536.1(SCN9A):c.4046A>C (p.Glu1349Ala)

Genes: SCN1A-AS1 (SCN1A and SCN9A antisense RNA 1; plus strand), SCN9A (sodium voltage-gated channel alpha subunit 9; minus strand). Cytogenetic location: 2q24.3.
Variant type: single nucleotide variant.
Coding change: c.4046A>C on transcript NM_001365536.1 (MANE Select); coding-DNA position 4046, A replaced by C.
Protein change: p.Glu1349Ala; replaces glutamic acid 1349 with alanine.
Molecular consequence: missense variant.
Genome position (GRCh38, 1-based): chr2:166,228,851, T>G on the plus strand (A>C on the coding strand, the complement: SCN9A is on the minus strand). VCF-style: chr2-166228851-T-G. GRCh37 (hg19) VCF-style: chr2-167085361-T-G.
Other names: c.4013A>C, p.Glu1338Ala (NM_002977.4); short protein forms E1338A, E1349A.
Identifiers: ClinVar variation 3756480 (VCV003756480.2).

ClinVar aggregate classification (germline): Uncertain significance (1 of 4 stars; one submission).

Conditions:
Neuropathy, hereditary sensory and autonomic, type 2A (HSAN2A). Also called: MORVAN DISEASE; NEUROPATHY, CONGENITAL SENSORY; NEUROPATHY, HEREDITARY SENSORY RADICULAR, AUTOSOMAL RECESSIVE; NEUROPATHY, HEREDITARY SENSORY, TYPE IIA; NEUROPATHY, PROGRESSIVE SENSORY, OF CHILDREN; ACROOSTEOLYSIS, GIACCAI TYPE. Identifiers: Orphanet 970, MedGen C2752089, MONDO:0024309, OMIM 201300.
Generalized epilepsy with febrile seizures plus, type 7 (GEFSP7). Also called: GEFS+, TYPE 7. Identifiers: Orphanet 36387, MedGen C2751778, MONDO:0013470, OMIM 613863.

Submission:

Labcorp Genetics (formerly Invitae), Labcorp
Classification: Uncertain significance for Neuropathy, hereditary sensory and autonomic, type 2A; Generalized epilepsy with febrile seizures plus, type 7. Last evaluated: 2024-05-22. Review status: criteria provided, single submitter. Criteria: Invitae Variant Classification Sherloc (09022015). Collection method: clinical testing. Allele origin: germline.
Comment: This sequence change replaces glutamic acid, which is acidic and polar, with alanine, which is neutral and non-polar, at codon 1338 of the SCN9A protein (p.Glu1338Ala). This variant is not present in population databases (gnomAD no frequency). This variant has not been reported in the literature in individuals affected with SCN9A-related conditions. Advanced modeling of protein sequence and biophysical properties (such as structural, functional, and spatial information, amino acid conservation, physicochemical variation, residue mobility, and thermodynamic stability) performed at Invitae indicates that this missense variant is not expected to disrupt SCN9A protein function with a negative predictive value of 95%. In summary, the available evidence is currently insufficient to determine the role of this variant in disease. Therefore, it has been classified as a Variant of Uncertain Significance.